The following is an entry in ClinVar:

ClinVar aggregate classification (germline): Uncertain significance. Review status: criteria provided, multiple submitters, no conflicts (2 of 4 stars). 2 submissions from 2 submitters: Uncertain significance (2). Last evaluated 2025-11-26.

Conditions:
Inborn genetic diseases. Identifiers: MedGen C0950123, MeSH D030342.

gnomAD v4.1: 50 of 1,548,398 alleles (0.0032%); highest among the groups gnomAD compares: African/African-American, 0.045%; no homozygotes.

Submissions (2):

Ambry Genetics
Classification: Uncertain significance for Inborn genetic diseases. Last evaluated: 2025-11-26. Review status: criteria provided, single submitter. Criteria: Ambry Variant Classification Scheme 2023. Collection method: clinical testing. Allele origin: germline.

GeneDx
Classification: Uncertain significance. Last evaluated: 2023-07-13. Review status: criteria provided, single submitter. Criteria: GeneDx Variant Classification Process June 2021. Collection method: clinical testing. Allele origin: germline. Affected: yes.
Comment: In silico analysis supports that this missense variant does not alter protein structure/function; Has not been previously published as pathogenic or benign to our knowledge

NM_198569.3(ADGRG6):c.1582A>C (p.Met528Leu)

Gene: ADGRG6 (adhesion G protein-coupled receptor G6; plus strand). Cytogenetic location: 6q24.2.
Variant type: single nucleotide variant.
Coding change: c.1582A>C on transcript NM_198569.3 (MANE Select); coding-DNA position 1582, A replaced by C.
Protein change: p.Met528Leu; replaces methionine 528 with leucine.
Molecular consequence: missense variant.
Genome position (GRCh38, 1-based): chr6:142,400,499, A>C. VCF-style: chr6-142400499-A-C. GRCh37 (hg19) VCF-style: chr6-142721636-A-C.
Other names: c.1498A>C, p.Met500Leu (NM_001032394.3, NM_001032395.3); c.1582A>C, p.Met528Leu (NM_020455.6); short protein forms M500L, M528L.
Identifiers: ClinVar variation 3342418 (VCV003342418.2).